The following is an entry in ClinVar:

NM_015330.6(SPECC1L):c.45T>C (p.Ser15=)

Genes: SPECC1L (sperm antigen with calponin homology and coiled-coil domains 1 like; plus strand), SPECC1L-ADORA2A (SPECC1L-ADORA2A readthrough (NMD candidate); plus strand). Cytogenetic location: 22q11.23.
Variant type: single nucleotide variant.
Coding change: c.45T>C on transcript NM_015330.6 (MANE Select); coding-DNA position 45, T replaced by C.
Protein change: p.Ser15=; no amino-acid change (serine 15 retained).
Molecular consequence: synonymous variant. On other transcripts: non-coding transcript variant (1).
Genome position (GRCh38, 1-based): chr22:24,302,276, T>C. VCF-style: chr22-24302276-T-C. GRCh37 (hg19) VCF-style: chr22-24698244-T-C.
Other names: c.45T>C, p.Ser15= (NM_001145468.4, NM_001254732.3).
Identifiers: ClinVar variation 724620 (VCV000724620.32), dbSNP rs202073203, ClinGen allele CA10151858.
Genomic context (GRCh38, chr22:24,302,276, plus strand): 5'-GAAGAGGCAGCCCAGAATGAAGAAAGCAAGCAGGAGTGTTGGCTCAGTGCCTAAAGTGTC[T>C]GCAATAAGTAAAACGCAAACAGCAGAAAAAATTAAACCTGAAAACAGCTCTTCAGCATCT-3'
Protein context (NP_056145.5, residues 5-25): SRSVGSVPKV[Ser15=]AISKTQTAEK

ClinVar aggregate classification (germline): Benign/Likely benign. Review status: criteria provided, multiple submitters, no conflicts (2 of 4 stars). 3 submissions from 3 submitters: Benign (1); Likely benign (1). 1 of the submissions does not count toward it. Last evaluated 2026-01-08.

Conditions:
SPECC1L-related disorder. Also called: SPECC1L-related condition.

Allele frequency attached by ClinVar (database versions not stated): gnomAD 0.00001 and 0.00039; TOPMed 0.00010; gnomAD exomes 0.00060 and 0.00127; ExAC 0.00164; 1000 Genomes Project 30x 0.00375; 1000 Genomes Project 0.00399.
gnomAD v4.1: 945 of 1,614,118 alleles (0.059%); highest among the groups gnomAD compares: South Asian, 0.94%; 12 homozygotes.

Submissions (3):

Labcorp Genetics (formerly Invitae), Labcorp
Classification: Benign. Last evaluated: 2026-01-08. Review status: criteria provided, single submitter. Criteria: Invitae Variant Classification Sherloc (09022015). Collection method: clinical testing. Allele origin: germline.

CeGaT Center for Human Genetics Tuebingen
Classification: Likely benign. Last evaluated: 2024-10-01. Review status: criteria provided, single submitter. Criteria: CeGaT Center For Human Genetics Tuebingen Variant Classification Criteria Version 2. Collection method: clinical testing. Allele origin: germline. Affected: yes. Observed: 3 variant alleles.
Comment: SPECC1L: BP4, BP7

PreventionGenetics, part of Exact Sciences
Classification: Benign for SPECC1L-related condition. Last evaluated: 2019-07-15. Review status: no assertion criteria provided. Collection method: clinical testing. Allele origin: germline. Not counted in ClinVar's aggregate classification.
Comment: This variant is classified as benign based on ACMG/AMP sequence variant interpretation guidelines (Richards et al. 2015 PMID: 25741868, with internal and published modifications).